The following is an entry in ClinVar:

ClinVar aggregate classification (germline): Likely benign (1 of 4 stars; one submission).

Submission:

GeneDx
Classification: Likely benign. Last evaluated: 2018-01-10. Review status: criteria provided, single submitter. Criteria: GeneDx Variant Classification (06012015). Collection method: clinical testing. Allele origin: germline. Affected: yes.
Comment: This variant is considered likely benign or benign based on one or more of the following criteria: it is a conservative change, it occurs at a poorly conserved position in the protein, it is predicted to be benign by multiple in silico algorithms, and/or has population frequency not consistent with disease.

NM_017755.6(NSUN2):c.1819-12_1819-11del

Gene: NSUN2 (NOP2/Sun RNA methyltransferase 2; minus strand). Cytogenetic location: 5p15.31.
Variant type: Deletion.
Coding change: c.1819-12_1819-11del on transcript NM_017755.6 (MANE Select); 12 bases into the intron before coding-DNA position 1819 through 11 bases into the intron before coding-DNA position 1819, 2 bases deleted (TT; older notation c.1819-12_1819-11delTT).
Molecular consequence: intron variant.
Genome position (GRCh38, 1-based): chr5:6,604,287-6,604,288, AA deleted on the plus strand (TT on the coding strand, the reverse complement: NSUN2 is on the minus strand); deleting any 2 consecutive bases within chr5:6,604,287-6,604,289 gives the same sequence; the c. name uses the placement nearest the transcript's 3' end. VCF-style (leftmost placement, unchanged base first): chr5-6604286-TAA-T. GRCh37 (hg19) VCF-style: chr5-6604399-TAA-T.
Other names: c.1714-12_1714-11del (NM_001193455.2); c.1819-12_1819-11delTT (NM_017755.5).
Identifiers: ClinVar variation 514433 (VCV000514433.1), dbSNP rs1553996635, ClinGen allele CA658796495.
Genomic context (GRCh38, chr5:6,604,286, plus strand): 5'-TGATACAGTAATAATTCTTGAGTTAATAAATGGATACAATGTATATATTCCCTGTGTGAA[TAA>T]AGAGAATGAGAGAACAGATACCATGATGTCATTCATGAACGACAACAGCCTGCTCTCAGG-3'